The following is an entry in ClinVar:

NM_001211.6(BUB1B):c.770G>A (p.Gly257Glu)

Gene: BUB1B (BUB1 mitotic checkpoint serine/threonine kinase B; plus strand). Cytogenetic location: 15q15.1.
Variant type: single nucleotide variant.
Coding change: c.770G>A on transcript NM_001211.6 (MANE Select); coding-DNA position 770, G replaced by A.
Protein change: p.Gly257Glu; replaces glycine 257 with glutamic acid.
Molecular consequence: missense variant.
Genome position (GRCh38, 1-based): chr15:40,185,183, G>A. VCF-style: chr15-40185183-G-A. GRCh37 (hg19) VCF-style: chr15-40477384-G-A.
Other names: short protein forms G257E.
Identifiers: ClinVar variation 2450838 (VCV002450838.2), dbSNP rs2542535287, ClinGen allele CA391683846.
Genomic context (GRCh38, chr15:40,185,183, plus strand): 5'-AATGAAACATTTTACATGAGGTTTTAATATTTTTGCTCCTAGCTCCAAGCCAGAACAGAG[G>A]ACTCCAAAATCCATTTCCTCAACAGATGCAAAATAATAGTAGAATTACTGTTTTTGATGA-3'
Protein context (NP_001202.5, residues 247-267): GALKAPSQNR[Gly257Glu]LQNPFPQQMQ

ClinVar aggregate classification (germline): Uncertain significance (1 of 4 stars; one submission).

Conditions:
Inborn genetic diseases. Identifiers: MedGen C0950123, MeSH D030342.

gnomAD v4.1: 1 of 1,613,960 alleles (0.000062%); no homozygotes.

Submission:

Ambry Genetics
Classification: Uncertain significance for Inborn genetic diseases. Last evaluated: 2023-02-17. Review status: criteria provided, single submitter. Criteria: Ambry Variant Classification Scheme 2023. Collection method: clinical testing. Allele origin: germline.
Comment: The p.G257E variant (also known as c.770G>A), located in coding exon 7 of the BUB1B gene, results from a G to A substitution at nucleotide position 770. The glycine at codon 257 is replaced by glutamic acid, an amino acid with similar properties. This amino acid position is conserved. In addition, this alteration is predicted to be tolerated by in silico analysis. Since supporting evidence is limited at this time, the clinical significance of this alteration remains unclear.